The following is an entry in ClinVar:

ClinVar aggregate classification (germline): Likely benign (1 of 4 stars; one submission).

Conditions:
PLXNA4-related disorder. Also called: PLXNA4-related condition.

gnomAD v4.1: 40 of 1,571,162 alleles (0.0025%); highest among the groups gnomAD compares: Non-Finnish European, 0.0032%; no homozygotes.

Submission:

PreventionGenetics, part of Exact Sciences
Classification: Likely benign for PLXNA4-related condition. Last evaluated: 2025-06-12. Review status: criteria provided, single submitter. Criteria: ACMG Guidelines, 2015. Collection method: clinical testing. Allele origin: germline.
Comment: This variant is classified as likely benign based on ACMG/AMP sequence variant interpretation guidelines (Richards et al. 2015 PMID: 25741868, with internal and published modifications).

NM_020911.2(PLXNA4):c.4018-5T>C

Gene: PLXNA4 (plexin A4; minus strand). Cytogenetic location: 7q32.3.
Variant type: single nucleotide variant.
Coding change: c.4018-5T>C on transcript NM_020911.2 (MANE Select); 5 bases into the intron before coding-DNA position 4018, T replaced by C.
Molecular consequence: intron variant.
Genome position (GRCh38, 1-based): chr7:132,168,577, A>G on the plus strand (T>C on the coding strand, the complement: PLXNA4 is on the minus strand). VCF-style: chr7-132168577-A-G. GRCh37 (hg19) VCF-style: chr7-131853336-A-G.
Other names: c.4018-5T>C (NM_001393897.1).
Identifiers: ClinVar variation 4981030 (VCV004981030.1).